The following is an entry in ClinVar:

NM_001267550.2(TTN):c.105085T>C (p.Leu35029=)

Genes: TTN-AS1 (TTN antisense RNA 1; plus strand), TTN (titin; minus strand). Cytogenetic location: 2q31.2.
Variant type: single nucleotide variant.
Coding change: c.105085T>C on transcript NM_001267550.2 (MANE Select); coding-DNA position 105085, T replaced by C.
Protein change: p.Leu35029=; no amino-acid change (leucine 35029 retained).
Molecular consequence: synonymous variant.
Genome position (GRCh38, 1-based): chr2:178,531,530, A>G on the plus strand (T>C on the coding strand, the complement: TTN is on the minus strand). VCF-style: chr2-178531530-A-G. GRCh37 (hg19) VCF-style: chr2-179396257-A-G.
Other names: c.100162T>C, p.Leu33388= (NM_001256850.1); c.77890T>C, p.Leu25964= (NM_003319.4); c.97381T>C, p.Leu32461= (NM_133378.4); c.78265T>C, p.Leu26089= (NM_133432.3); c.78466T>C, p.Leu26156= (NM_133437.4).
Identifiers: ClinVar variation 466736 (VCV000466736.24), dbSNP rs374678473, ClinGen allele CA1985312.

ClinVar aggregate classification (germline): Benign/Likely benign. Review status: criteria provided, multiple submitters, no conflicts (2 of 4 stars). 12 submissions from 9 submitters: Benign (5); Likely benign (5). 2 of the submissions do not count toward it. Last evaluated 2026-03-27.

Conditions:
Autosomal recessive limb-girdle muscular dystrophy type 2J (LGMDR10). Also called: Limb-girdle muscular dystrophy, type 2J; MUSCULAR DYSTROPHY, LIMB-GIRDLE, AUTOSOMAL RECESSIVE 10. Identifiers: Orphanet 140922, MedGen C1837342, MONDO:0012127, OMIM 608807.
Dilated cardiomyopathy 1G (CMD1G). Identifiers: Orphanet 154, MedGen C1858763, MONDO:0011400, OMIM 604145.
TTN-related disorder. Also called: TTN-related condition; TTN-related disease; TTN-related disorders.
Cardiovascular phenotype. Identifiers: MedGen CN230736.
Myopathy, myofibrillar, 9, with early respiratory failure (MFM9). Also called: Hereditary myopathy with early respiratory failure; MYOPATHY, PROXIMAL, WITH EARLY RESPIRATORY MUSCLE INVOLVEMENT; EDSTROM MYOPATHY; Myopathy, distal, with early respiratory failure, autosomal dominant. Identifiers: Orphanet 178464, Orphanet 34521, MedGen C1863599, MONDO:0011362, OMIM 603689.
Early-onset myopathy with fatal cardiomyopathy (CMYO5). Also called: Salih Myopathy; CONGENITAL MYOPATHY 5 WITH CARDIOMYOPATHY. Identifiers: Orphanet 289377, MedGen C2673677, MONDO:0012714, OMIM 611705. Disease mechanism: loss of function.
Tibial muscular dystrophy (TMD). Also called: Udd Distal Myopathy – Tibial Muscular Dystrophy; UDD MYOPATHY; Tibial muscular dystrophy, tardive. Identifiers: Orphanet 609, MedGen C1838244, MONDO:0010870, OMIM 600334.

Allele frequency attached by ClinVar (database versions not stated): TOPMed 0.00004; gnomAD 0.00005 and 0.00011; gnomAD exomes 0.00012 and 0.00022; ESP Exome Variant Server 0.00016; ExAC 0.00027; 1000 Genomes Project 0.00040; 1000 Genomes Project 30x 0.00047.
gnomAD v4.1: 188 of 1,613,874 alleles (0.012%); highest among the groups gnomAD compares: South Asian, 0.12%; 1 homozygote.

Submissions (12):

Molecular Diagnostic Laboratory for Inherited Cardiovascular Disease, Montreal Heart Institute
Classification: Likely benign. Last evaluated: 2026-03-27. Review status: criteria provided, single submitter. Criteria: ACMG Guidelines, 2015. Collection method: clinical testing. Allele origin: germline. Affected: no.

Labcorp Genetics (formerly Invitae), Labcorp
Classification: Benign for Dilated cardiomyopathy 1G; Autosomal recessive limb-girdle muscular dystrophy type 2J. Last evaluated: 2026-01-26. Review status: criteria provided, single submitter. Criteria: Invitae Variant Classification Sherloc (09022015). Collection method: clinical testing. Allele origin: germline.

PreventionGenetics, part of Exact Sciences
Classification: Likely benign for TTN-related condition. Last evaluated: 2026-01-12. Review status: criteria provided, single submitter. Criteria: ACMG Guidelines, 2015. Collection method: clinical testing. Allele origin: germline.
Comment: This variant is classified as likely benign based on ACMG/AMP sequence variant interpretation guidelines (Richards et al. 2015 PMID: 25741868, with internal and published modifications).

Blueprint Genetics
Classification: Likely benign. Last evaluated: 2024-08-12. Review status: criteria provided, single submitter. Criteria: ACMG Guidelines, 2015. Collection method: clinical testing. Allele origin: germline.

Ambry Genetics
Classification: Likely benign for Cardiovascular phenotype. Last evaluated: 2022-07-10. Review status: criteria provided, single submitter. Criteria: Ambry Variant Classification Scheme 2023. Collection method: clinical testing. Allele origin: germline.

Genome-Nilou Lab
Classification: Benign for Autosomal recessive limb-girdle muscular dystrophy type 2J. Last evaluated: 2021-09-10. Review status: criteria provided, single submitter. Criteria: ACMG Guidelines, 2015. Collection method: clinical testing. Allele origin: germline. Affected: no.

Genome-Nilou Lab
Classification: Benign for Myopathy, myofibrillar, 9, with early respiratory failure. Last evaluated: 2021-09-10. Review status: criteria provided, single submitter. Criteria: ACMG Guidelines, 2015. Collection method: clinical testing. Allele origin: germline. Affected: no.

Genome-Nilou Lab
Classification: Benign for Early-onset myopathy with fatal cardiomyopathy. Last evaluated: 2021-09-10. Review status: criteria provided, single submitter. Criteria: ACMG Guidelines, 2015. Collection method: clinical testing. Allele origin: germline. Affected: no.

Genome-Nilou Lab
Classification: Benign for Tibial muscular dystrophy. Last evaluated: 2021-09-10. Review status: criteria provided, single submitter. Criteria: ACMG Guidelines, 2015. Collection method: clinical testing. Allele origin: germline. Affected: no.

GeneDx
Classification: Likely benign. Last evaluated: 2020-12-08. Review status: criteria provided, single submitter. Criteria: GeneDx Variant Classification Process June 2021. Collection method: clinical testing. Allele origin: germline. Affected: yes.

Clinical Genetics DNA and cytogenetics Diagnostics Lab, Erasmus MC, Erasmus Medical Center
Classification: Likely benign. Review status: no assertion criteria provided. Collection method: clinical testing. Allele origin: germline. Affected: yes. Study: VKGL Data-share Consensus. Not counted in ClinVar's aggregate classification.

Clinical Genetics, Academic Medical Center
Classification: Benign. Review status: no assertion criteria provided. Collection method: clinical testing. Allele origin: germline. Affected: yes. Study: VKGL Data-share Consensus. Not counted in ClinVar's aggregate classification.